The following is an entry in ClinVar:

ClinVar aggregate classification (germline): Pathogenic (1 of 4 stars; one submission).

Submission:

Labcorp Genetics (formerly Invitae), Labcorp
Classification: Pathogenic. Last evaluated: 2023-04-12. Review status: criteria provided, single submitter. Criteria: Invitae Variant Classification Sherloc (09022015). Collection method: clinical testing. Allele origin: unknown.
Comment: This variant has not been reported in the literature in individuals affected with GORAB-related conditions. For these reasons, this variant has been classified as Pathogenic. This variant is a gross deletion of the genomic region encompassing exon(s) 1-3 of the GORAB gene, which includes the initiator codon. This deletion extends beyond the assayed region for this gene and therefore may encompass additional genes. It is expected to result in an absent or disrupted protein product. Loss-of-function variants in GORAB are known to be pathogenic (PMID: 18997784, 19681135).

Literature cited by the submitters: PubMed 18997784; PubMed 19681135.

NC_000001.10:g.(?_170501290)_(170511753_?)del

Gene: GORAB (golgin, RAB6 interacting; plus strand). Cytogenetic location: 1q24.2.
Variant type: Deletion.
Identifiers: ClinVar variation 3248024 (VCV003248024.1).